The following is an entry in ClinVar:

NM_001012614.2(CTBP1):c.989-3C>T

Genes: CTBP1 (C-terminal binding protein 1; minus strand), CTBP1-AS (CTBP1 antisense RNA; plus strand). Cytogenetic location: 4p16.3.
Variant type: single nucleotide variant.
Coding change: c.989-3C>T on transcript NM_001012614.2 (MANE Select); 3 bases into the intron before coding-DNA position 989, C replaced by T.
Molecular consequence: intron variant.
Genome position (GRCh38, 1-based): chr4:1,213,033, G>A on the plus strand (C>T on the coding strand, the complement: CTBP1 is on the minus strand). VCF-style: chr4-1213033-G-A. GRCh37 (hg19) VCF-style: chr4-1206821-G-A.
Other names: c.989-3C>T (NM_001377192.1, NM_001377189.1, NM_001377193.1 and 4 more transcripts); c.1022-3C>T (NM_001328.3, NM_001377186.1).
Identifiers: ClinVar variation 2781089 (VCV002781089.3), dbSNP rs2535018963, ClinGen allele CA2739270005.
Genomic context (GRCh38, chr4:1,213,033, plus strand): 5'-GTGGCGGCTGTCAGATGGTCCTTGTTGACACAGTTCTTCAGGCTGTCTGGGATCCGGCCT[G>A]GGAGATGCAGGAGGAAGGAACAGCTGTGGCTCTGAGGGGGCCCCAGGAGCGTGGCCCACT-3'

ClinVar aggregate classification (germline): Uncertain significance (1 of 4 stars; one submission).

Submission:

Labcorp Genetics (formerly Invitae), Labcorp
Classification: Uncertain significance. Last evaluated: 2024-01-11. Review status: criteria provided, single submitter. Criteria: Invitae Variant Classification Sherloc (09022015). Collection method: clinical testing. Allele origin: germline.
Comment: This sequence change falls in intron 7 of the CTBP1 gene. It does not directly change the encoded amino acid sequence of the CTBP1 protein. It affects a nucleotide within the consensus splice site. This variant is not present in population databases (gnomAD no frequency). This variant has not been reported in the literature in individuals affected with CTBP1-related conditions. Variants that disrupt the consensus splice site are a relatively common cause of aberrant splicing (PMID: 17576681, 9536098). Algorithms developed to predict the effect of sequence changes on RNA splicing suggest that this variant is not likely to affect RNA splicing. In summary, the available evidence is currently insufficient to determine the role of this variant in disease. Therefore, it has been classified as a Variant of Uncertain Significance.

Literature cited by the submitters: PubMed 17576681; PubMed 9536098.